The following is an entry in ClinVar:

ClinVar aggregate classification (germline): Uncertain significance (1 of 4 stars; one submission).

Conditions:
POLD1-related polyposis and colorectal cancer syndrome (CRCS10). Also called: Colorectal cancer 10; COLORECTAL CANCER, SUSCEPTIBILITY TO, ON CHROMOSOME 19q; Colorectal cancer, susceptibility to, 10. Identifiers: Orphanet 220460, MedGen C2675481, MONDO:0012953, OMIM 612591.

Submission:

Labcorp Genetics (formerly Invitae), Labcorp
Classification: Uncertain significance for POLD1-related polyposis and colorectal cancer syndrome. Last evaluated: 2026-01-10. Review status: criteria provided, single submitter. Criteria: Invitae Variant Classification Sherloc (09022015). Collection method: clinical testing. Allele origin: germline.
Comment: This sequence change replaces alanine, which is neutral and non-polar, with serine, which is neutral and polar, at codon 145 of the POLD1 protein (p.Ala145Ser). This variant is not present in population databases (gnomAD no frequency). This variant has not been reported in the literature in individuals affected with POLD1-related conditions. ClinVar contains an entry for this variant (Variation ID: 960679). Invitae Evidence Modeling of protein sequence and biophysical properties (such as structural, functional, and spatial information, amino acid conservation, physicochemical variation, residue mobility, and thermodynamic stability) indicates that this missense variant is not expected to disrupt POLD1 protein function with a negative predictive value of 80%. In summary, the available evidence is currently insufficient to determine the role of this variant in disease. Therefore, it has been classified as a Variant of Uncertain Significance.

NM_002691.4(POLD1):c.433G>T (p.Ala145Ser)

Gene: POLD1 (DNA polymerase delta 1, catalytic subunit; plus strand). Cytogenetic location: 19q13.33.
Variant type: single nucleotide variant.
Coding change: c.433G>T on transcript NM_002691.4 (MANE Select); coding-DNA position 433, G replaced by T.
Protein change: p.Ala145Ser; replaces alanine 145 with serine.
Molecular consequence: missense variant. On other transcripts: non-coding transcript variant (1).
Genome position (GRCh38, 1-based): chr19:50,401,894, G>T. VCF-style: chr19-50401894-G-T. GRCh37 (hg19) VCF-style: chr19-50905151-G-T.
Other names: c.433G>T, p.Ala145Ser (NM_001256849.1, NM_001308632.1); short protein forms A145S.
Identifiers: ClinVar variation 960679 (VCV000960679.9), dbSNP rs137953986, ClinGen allele CA406972658.